The following is an entry in ClinVar:

NM_033380.3(COL4A5):c.2633G>C (p.Gly878Ala)

Gene: COL4A5 (collagen type IV alpha 5 chain; plus strand). Cytogenetic location: Xq22.3.
Variant type: single nucleotide variant.
Coding change: c.2633G>C on transcript NM_033380.3 (MANE Select); coding-DNA position 2633, G replaced by C.
Protein change: p.Gly878Ala; replaces glycine 878 with alanine.
Molecular consequence: missense variant.
Genome position (GRCh38, 1-based): chrX:108,620,382, G>C. VCF-style: chrX-108620382-G-C. GRCh37 (hg19) VCF-style: chrX-107863612-G-C.
Other names: c.2633G>C, p.Gly878Ala (NM_000495.5); c.2633G>C (NM_000495.4); short protein forms G878A.
Identifiers: ClinVar variation 3597937 (VCV003597937.2).

ClinVar aggregate classification (germline): Pathogenic/Likely pathogenic. Review status: criteria provided, multiple submitters, no conflicts (2 of 4 stars). 2 submissions from 2 submitters: Pathogenic (1); Likely pathogenic (1). Last evaluated 2025-10-08.

Conditions:
X-linked Alport syndrome (ATS1). Also called: COL4A5-Related Nephropathy; NEPHROPATHY AND DEAFNESS, X-LINKED. Identifiers: Orphanet 63, Orphanet 88917, MedGen C4746986, MONDO:0010520, OMIM 301050.

Submissions (2):

Natera, Inc.
Classification: Likely pathogenic for X-linked Alport syndrome. Last evaluated: 2025-10-08. Review status: criteria provided, single submitter. Criteria: Natera Variant Classification Schema (03/2026). Collection method: clinical testing. Allele origin: germline.
Comment: The c.2633G>C variant in COL4A5 is a missense variant predicted to cause substitution of glycine to alanine at amino acid 878. This variant is rare in the general population with a frequency below the threshold expected for the associated phenotype(s). This variant is located in a functionally critical region of the protein. A different variant at the same position has been determined to be Pathogenic or Likely Pathogenic. Computational prediction algorithms indicate this variant is likely to affect gene or protein function. Given the available evidence, this variant is classified as Likely Pathogenic.

Fulgent Genetics
Classification: Pathogenic for X-linked Alport syndrome. Last evaluated: 2024-06-17. Review status: criteria provided, single submitter. Criteria: ACMG Guidelines, 2015. Collection method: clinical testing. Allele origin: germline.